The following is an entry in ClinVar:

NM_133459.4(CCBE1):c.94_95dup (p.Trp33fs)

Gene: CCBE1 (collagen and calcium binding EGF domains 1; minus strand). Cytogenetic location: 18q21.32.
Variant type: Microsatellite.
Coding change: c.94_95dup on transcript NM_133459.4 (MANE Select); coding-DNA positions 94 to 95, 2 bases duplicated (AC; older notation c.94_95dupAC).
Protein change: p.Trp33fs; shifts the reading frame from tryptophan 33.
Molecular consequence: frameshift variant.
Genome position (GRCh38, 1-based): chr18:59,697,248-59,697,249, GT duplicated on the plus strand (AC on the coding strand, the reverse complement: CCBE1 is on the minus strand); duplicating any 2 consecutive bases within chr18:59,697,248-59,697,253 gives the same sequence; the c. name uses the placement nearest the transcript's 3' end. VCF-style (leftmost placement, unchanged base first): chr18-59697247-C-CGT. GRCh37 (hg19) VCF-style: chr18-57364479-C-CGT.
Other names: short protein forms W33fs.
Identifiers: ClinVar variation 2633073 (VCV002633073.1), dbSNP rs2511612822, ClinGen allele CA2695198100.

ClinVar aggregate classification (germline): Uncertain significance (1 of 4 stars; one submission).

Conditions:
CCBE1-related disorder. Also called: CCBE1-related condition.

Submission:

PreventionGenetics, part of Exact Sciences
Classification: Uncertain significance for CCBE1-related condition. Last evaluated: 2023-04-20. Review status: criteria provided, single submitter. Criteria: ACMG Guidelines, 2015. Collection method: clinical testing. Allele origin: germline.
Comment: The CCBE1 c.94_95dupAC variant is predicted to result in a frameshift and premature protein termination (p.Trp33Argfs*29). To our knowledge, this variant has not been reported in the literature or in a large population database, indicating this variant is rare. A frameshift variant in CCBE1 gene has been previously reported in the compound heterozygous state in an individual with Hennekam syndrome (subject F in Alders et al. 2009. PubMed ID: 19935664); however, loss-of-function is not an well established mechanism of CCBE1-related disease. Although we suspect that this variant may be pathogenic, at this time, the clinical significance of this variant is uncertain due to the absence of conclusive functional and genetic evidence.